The following is an entry in ClinVar:

NM_025233.7(COASY):c.1319_1322del (p.Leu440fs)

Gene: COASY (Coenzyme A synthase; plus strand). Cytogenetic location: 17q21.2.
Variant type: Deletion.
Coding change: c.1319_1322del on transcript NM_025233.7 (MANE Select); coding-DNA positions 1319 to 1322, 4 bases deleted (TCAC; older notation c.1319_1322delTCAC).
Protein change: p.Leu440fs; shifts the reading frame from leucine 440.
Molecular consequence: frameshift variant.
Genome position (GRCh38, 1-based): chr17:42,565,243-42,565,246, TCAC deleted; deleting any 4 consecutive bases within chr17:42,565,241-42,565,246 gives the same sequence; the c. name uses the placement nearest the transcript's 3' end. VCF-style (leftmost placement, unchanged base first): chr17-42565240-TACTC-T. GRCh37 (hg19) VCF-style: chr17-40717258-TACTC-T.
Other names: c.1319_1322del, p.Leu440fs (NM_001042529.3); c.1406_1409del, p.Leu469fs (NM_001042532.4); short protein forms L440fs, L469fs.
Identifiers: ClinVar variation 5005757 (VCV005005757.2).

ClinVar aggregate classification (germline): Likely pathogenic (1 of 4 stars; one submission).

Conditions:
Pontocerebellar hypoplasia, type 12. Identifiers: Orphanet 611256, MedGen C4748873, MONDO:0032643, OMIM 618266.
Neurodegeneration with brain iron accumulation 6 (NBIA6). Also called: COASY protein-associated neurodegeneration. Identifiers: Orphanet 397725, MedGen C4517377, MONDO:0014290, OMIM 615643.

Submission:

Juno Genomics, Hangzhou Juno Genomics, Inc
Classification: Likely pathogenic for Neurodegeneration with brain iron accumulation 6; Pontocerebellar hypoplasia, type 12. Review status: criteria provided, single submitter. Criteria: ACMG Guidelines, 2015. Collection method: clinical testing. Allele origin: germline.
Comment: Null variant in a gene where loss of function (LOF) is a known mechanism of disease.;Absent from controls (or at extremely low frequency if recessive) in Genome Aggregation Database.